The following is an entry in ClinVar:

NM_003995.4(NPR2):c.1313C>A (p.Pro438His)

Gene: NPR2 (natriuretic peptide receptor 2; plus strand). Cytogenetic location: 9p13.3.
Variant type: single nucleotide variant.
Coding change: c.1313C>A on transcript NM_003995.4 (MANE Select); coding-DNA position 1313, C replaced by A.
Protein change: p.Pro438His; replaces proline 438 with histidine.
Molecular consequence: missense variant.
Genome position (GRCh38, 1-based): chr9:35,800,803, C>A. VCF-style: chr9-35800803-C-A. GRCh37 (hg19) VCF-style: chr9-35800800-C-A.
Other names: c.1313C>A, p.Pro438His (NM_001378923.1); short protein forms P438H.
Identifiers: ClinVar variation 583173 (VCV000583173.9), dbSNP rs778410447, ClinGen allele CA373371237.
Genomic context (GRCh38, chr9:35,800,803, plus strand): 5'-TTTGGTGGACGGGACGGCCTATTCCCTGGGTGAAGGGGGCTCCTCCCTCGGACAATCCCC[C>A]CTGTGCCTTTGACTTGGACGACCCATCCTGTGATAAAAGTGGGTGTGTGCAGGGACTGGG-3'
Protein context (NP_003986.2, residues 428-448): VKGAPPSDNP[Pro438His]CAFDLDDPSC

ClinVar aggregate classification (germline): Uncertain significance (1 of 4 stars; one submission).

Conditions:
Acromesomelic dysplasia 1, Maroteaux type (AMD1). Also called: ACROMESOMELIC DYSPLASIA 1; ST. HELENA DYSPLASIA. Identifiers: Orphanet 40, MedGen C1864356, MONDO:0011275, OMIM 602875.
Tall stature-scoliosis-macrodactyly of the great toes syndrome. Also called: Epiphyseal chondrodysplasia, miura type. Identifiers: Orphanet 329191, MedGen C4014690, MONDO:0014401, OMIM 615923.

gnomAD v4.1: 18 of 1,614,144 alleles (0.0011%); highest among the groups gnomAD compares: Middle Eastern, 0.016%; no homozygotes.

Submission:

Labcorp Genetics (formerly Invitae), Labcorp
Classification: Uncertain significance for Tall stature-scoliosis-macrodactyly of the great toes syndrome; Acromesomelic dysplasia 1, Maroteaux type. Last evaluated: 2018-04-05. Review status: criteria provided, single submitter. Criteria: Invitae Variant Classification Sherloc (09022015). Collection method: clinical testing. Allele origin: germline.
Comment: In summary, the available evidence is currently insufficient to determine the role of this variant in disease. Therefore, it has been classified as a Variant of Uncertain Significance. Algorithms developed to predict the effect of missense changes on protein structure and function (SIFT, PolyPhen-2, Align-GVGD) all suggest that this variant is likely to be disruptive, but these predictions have not been confirmed by published functional studies and their clinical significance is uncertain. This variant has not been reported in the literature in individuals with NPR2-related disease. This variant is not present in population databases (ExAC no frequency). This sequence change replaces proline with histidine at codon 438 of the NPR2 protein (p.Pro438His). The proline residue is highly conserved and there is a moderate physicochemical difference between proline and histidine.